The following is an entry in ClinVar:

NM_024741.3(ZNF408):c.1766C>T (p.Thr589Met)

Gene: ZNF408 (zinc finger protein 408; plus strand). Cytogenetic location: 11p11.2.
Variant type: single nucleotide variant.
Coding change: c.1766C>T on transcript NM_024741.3 (MANE Select); coding-DNA position 1766, C replaced by T.
Protein change: p.Thr589Met; replaces threonine 589 with methionine.
Molecular consequence: missense variant.
Genome position (GRCh38, 1-based): chr11:46,705,466, C>T. VCF-style: chr11-46705466-C-T. GRCh37 (hg19) VCF-style: chr11-46727016-C-T.
Other names: c.1742C>T, p.Thr581Met (NM_001184751.2); short protein forms T581M, T589M.
Identifiers: ClinVar variation 1926274 (VCV001926274.6), dbSNP rs201157341, ClinGen allele CA5966640.

ClinVar aggregate classification (germline): Uncertain significance. Review status: criteria provided, multiple submitters, no conflicts (2 of 4 stars). 2 submissions from 2 submitters: Uncertain significance (2). Last evaluated 2024-01-29.

Allele frequency attached by ClinVar (database versions not stated): gnomAD exomes 0.00001; TOPMed 0.00002; gnomAD 0.00003; ExAC 0.00004; 1000 Genomes Project 30x 0.00016; 1000 Genomes Project 0.00020.
gnomAD v4.1: 20 of 1,607,400 alleles (0.0012%); highest among the groups gnomAD compares: East Asian, 0.02%; no homozygotes.

Submissions (2):

Labcorp Genetics (formerly Invitae), Labcorp
Classification: Uncertain significance. Last evaluated: 2024-01-29. Review status: criteria provided, single submitter. Criteria: Invitae Variant Classification Sherloc (09022015). Collection method: clinical testing. Allele origin: germline.
Comment: This sequence change replaces threonine, which is neutral and polar, with methionine, which is neutral and non-polar, at codon 589 of the ZNF408 protein (p.Thr589Met). This variant is present in population databases (rs201157341, gnomAD 0.05%). This variant has not been reported in the literature in individuals affected with ZNF408-related conditions. ClinVar contains an entry for this variant (Variation ID: 1926274). An algorithm developed to predict the effect of missense changes on protein structure and function (PolyPhen-2) suggests that this variant is likely to be disruptive. In summary, the available evidence is currently insufficient to determine the role of this variant in disease. Therefore, it has been classified as a Variant of Uncertain Significance.

Blueprint Genetics
Classification: Uncertain significance. Last evaluated: 2022-06-30. Review status: criteria provided, single submitter. Criteria: ACMG Guidelines, 2015. Collection method: clinical testing. Allele origin: germline.